The following is an entry in ClinVar:

NM_032199.3(ARID5B):c.3381_3382del (p.Gly1129fs)

Gene: ARID5B (AT-rich interaction domain 5B; plus strand). Cytogenetic location: 10q21.2.
Variant type: Deletion.
Coding change: c.3381_3382del on transcript NM_032199.3 (MANE Select); coding-DNA positions 3381 to 3382, 2 bases deleted (AA; older notation c.3381_3382delAA).
Protein change: p.Gly1129fs; shifts the reading frame from glycine 1129.
Molecular consequence: frameshift variant.
Genome position (GRCh38, 1-based): chr10:62,092,844-62,092,845, AA deleted; deleting any 2 consecutive bases within chr10:62,092,843-62,092,845 gives the same sequence; the c. name uses the placement nearest the transcript's 3' end. VCF-style (leftmost placement, unchanged base first): chr10-62092842-CAA-C. GRCh37 (hg19) VCF-style: chr10-63852601-CAA-C.
Other names: c.2652_2653del, p.Gly886fs (NM_001244638.2); short protein forms G1129fs, G886fs.
Identifiers: ClinVar variation 1703130 (VCV001703130.3), dbSNP rs2492922243, ClinGen allele CA2580081686.
Genomic context (GRCh38, chr10:62,092,842, plus strand): 5'-AAAAACCAGACTGTGCTTTCTCCACTCATGCAGCCCCTGGCTTTCCACTCGCTTGTGATG[CAA>C]AGAGGAATTTTTACATCACCGACAAATTCTCAGCAGCTGTACAGACACTTGGCTGCGGCT-3'

ClinVar aggregate classification (germline): Uncertain significance (1 of 4 stars; one submission).

Submission:

Greenwood Genetic Center Diagnostic Laboratories, Greenwood Genetic Center
Classification: Uncertain significance. Last evaluated: 2022-06-28. Review status: criteria provided, single submitter. Criteria: ACMG Guidelines, 2015. Collection method: clinical testing. Allele origin: germline. Affected: yes.
Comment: Gene of Uncertain Significance